The following is an entry in ClinVar:

NM_006947.4(SRP72):c.1010A>T (p.His337Leu)

Gene: SRP72 (signal recognition particle 72; plus strand). Cytogenetic location: 4q12.
Variant type: single nucleotide variant.
Coding change: c.1010A>T on transcript NM_006947.4 (MANE Select); coding-DNA position 1010, A replaced by T.
Protein change: p.His337Leu; replaces histidine 337 with leucine.
Molecular consequence: missense variant. On other transcripts: non-coding transcript variant (1).
Genome position (GRCh38, 1-based): chr4:56,484,788, A>T. VCF-style: chr4-56484788-A-T. GRCh37 (hg19) VCF-style: chr4-57350954-A-T.
Other names: c.827A>T, p.His276Leu (NM_001267722.2); short protein forms H276L, H337L.
Identifiers: ClinVar variation 3801492 (VCV003801492.2).

ClinVar aggregate classification (germline): Uncertain significance. Review status: criteria provided, multiple submitters, no conflicts (2 of 4 stars). 2 submissions from 2 submitters: Uncertain significance (2). Last evaluated 2025-09-03.

gnomAD v4.1: 5 of 1,614,086 alleles (0.00031%); highest among the groups gnomAD compares: Non-Finnish European, 0.00042%; no homozygotes.

Submissions (2):

Labcorp Genetics (formerly Invitae), Labcorp
Classification: Uncertain significance. Last evaluated: 2025-09-03. Review status: criteria provided, single submitter. Criteria: Invitae Variant Classification Sherloc (09022015). Collection method: clinical testing. Allele origin: germline.
Comment: This sequence change replaces histidine, which is basic and polar, with leucine, which is neutral and non-polar, at codon 337 of the SRP72 protein (p.His337Leu). This variant is present in population databases (no rsID available, gnomAD 0.0009%). This variant has not been reported in the literature in individuals affected with SRP72-related conditions. ClinVar contains an entry for this variant (Variation ID: 3801492). Invitae Evidence Modeling of protein sequence and biophysical properties (such as structural, functional, and spatial information, amino acid conservation, physicochemical variation, residue mobility, and thermodynamic stability) indicates that this missense variant is not expected to disrupt SRP72 protein function with a negative predictive value of 80%. In summary, the available evidence is currently insufficient to determine the role of this variant in disease. Therefore, it has been classified as a Variant of Uncertain Significance.

Ambry Genetics
Classification: Uncertain significance. Last evaluated: 2025-02-17. Review status: criteria provided, single submitter. Criteria: Ambry Variant Classification Scheme 2023. Collection method: clinical testing. Allele origin: germline.
Comment: The p.H337L variant (also known as c.1010A>T), located in coding exon 10 of the SRP72 gene, results from an A to T substitution at nucleotide position 1010. The histidine at codon 337 is replaced by leucine, an amino acid with similar properties. This amino acid position is conserved. In addition, this alteration is predicted to be tolerated by in silico analysis. Based on the available evidence, the clinical significance of this variant remains unclear.